The following is an entry in ClinVar:

NM_001018115.3(FANCD2):c.776T>C (p.Leu259Pro)

Genes: FANCD2 (FA complementation group D2; plus strand), LOC107303338 (3p25 FANCD2 Alu-mediated recombination region; plus strand). Cytogenetic location: 3p25.3.
Variant type: single nucleotide variant.
Coding change: c.776T>C on transcript NM_001018115.3 (MANE Select); coding-DNA position 776, T replaced by C.
Protein change: p.Leu259Pro; replaces leucine 259 with proline.
Molecular consequence: missense variant.
Genome position (GRCh38, 1-based): chr3:10,041,703, T>C. VCF-style: chr3-10041703-T-C. GRCh37 (hg19) VCF-style: chr3-10083387-T-C.
Other names: c.776T>C (NM_001018115.2, NM_033084.5); c.776T>C, p.Leu259Pro (NM_001319984.2, NM_001374253.1, NM_001374254.1 and 1 more transcripts); short protein forms L259P.
Identifiers: ClinVar variation 1016505 (VCV001016505.9), dbSNP rs748724233, ClinGen allele CA2249345.
Genomic context (GRCh38, chr3:10,041,703, plus strand): 5'-CTTCACTCACTGTCCCAATCCTGGATGTCCTTTCAAGCCTCCGACTTGACCCAAACTTCC[T>C]ATTGAAGGTAGAAAAGACTCAGCTTTCCAGAAACAGAGCCAGCTTTCCAACCTCCCAGAA-3'
Protein context (NP_001018125.1, residues 249-269): LSSLRLDPNF[Leu259Pro]LKVRQLVMDK

ClinVar aggregate classification (germline): Uncertain significance. Review status: criteria provided, multiple submitters, no conflicts (2 of 4 stars). 4 submissions from 4 submitters: Uncertain significance (4). Last evaluated 2026-10-01.

Conditions:
FANCD2-related disorder. Also called: FANCD2-related condition.
Fanconi anemia (FA). Also called: Fanconi's anemia. Identifiers: Orphanet 84, MedGen C0015625, MeSH D005199, MONDO:0019391.
Fanconi anemia complementation group D2. Also called: FANCD2-Related Fanconi Anemia; FANCONI PANCYTOPENIA, TYPE 4; FANCONI ANEMIA, COMPLEMENTATION GROUP D. Identifiers: Orphanet 84, MedGen C3160738, MONDO:0009214, OMIM 227646.

Allele frequency attached by ClinVar (database versions not stated): gnomAD exomes below 0.00001 and 0.00001; ExAC 0.00001; gnomAD 0.00003 and 0.00004; TOPMed 0.00005.
gnomAD v4.1: 10 of 1,613,092 alleles (0.00062%); highest among the groups gnomAD compares: African/African-American, 0.0093%; no homozygotes.

Submissions (4):

St. Jude Molecular Pathology, St. Jude Children's Research Hospital
Classification: Uncertain significance for Fanconi anemia complementation group D2. Last evaluated: 2026-10-01. Review status: criteria provided, single submitter. Criteria: St. Jude Assertion Criteria 2020. Collection method: clinical testing. Allele origin: germline.
Comment: The FANCD2 c.776T>C p.(Leu259Pro) missense change has a maximum subpopulation frequency of 0.016% in gnomAD v2.1.1 (.). The in silico tool REVEL is inconclusive about a pathogenic or benign effect of this variant on protein function, and to our knowledge functional studies have not been performed. To our knowledge, this variant has not been reported in individuals with FANCD2-related Fanconi anemia. In summary, the evidence currently available is insufficient to determine the clinical significance of this variant. It has therefore been classified as of uncertain significance.

PreventionGenetics, part of Exact Sciences
Classification: Uncertain significance for FANCD2-related condition. Last evaluated: 2026-06-17. Review status: criteria provided, single submitter. Criteria: ACMG Guidelines, 2015. Collection method: clinical testing. Allele origin: germline.
Comment: The FANCD2 c.776T>C variant is predicted to result in the amino acid substitution p.Leu259Pro. To our knowledge, this variant has not been reported in the literature. This variant is reported in 0.016% of alleles in individuals of African descent in gnomAD. At this time, the clinical significance of this variant is uncertain due to the absence of conclusive functional and genetic evidence.

GeneDx
Classification: Uncertain significance. Last evaluated: 2022-10-28. Review status: criteria provided, single submitter. Criteria: GeneDx Variant Classification Process June 2021. Collection method: clinical testing. Allele origin: germline. Affected: yes.
Comment: In silico analysis supports that this missense variant has a deleterious effect on protein structure/function; Has not been previously published as pathogenic or benign to our knowledge

Labcorp Genetics (formerly Invitae), Labcorp
Classification: Uncertain significance for Fanconi anemia. Last evaluated: 2021-08-28. Review status: criteria provided, single submitter. Criteria: Invitae Variant Classification Sherloc (09022015). Collection method: clinical testing. Allele origin: germline.
Comment: This sequence change replaces leucine with proline at codon 259 of the FANCD2 protein (p.Leu259Pro). The leucine residue is moderately conserved and there is a moderate physicochemical difference between leucine and proline. This variant is present in population databases (rs748724233, ExAC 0.01%). This variant has not been reported in the literature in individuals affected with FANCD2-related conditions. Algorithms developed to predict the effect of missense changes on protein structure and function are either unavailable or do not agree on the potential impact of this missense change (SIFT: "Deleterious"; PolyPhen-2: "Probably Damaging"; Align-GVGD: "Class C0"). In summary, the available evidence is currently insufficient to determine the role of this variant in disease. Therefore, it has been classified as a Variant of Uncertain Significance.